The following is an entry in ClinVar:

NM_020778.5(ALPK3):c.2965G>A (p.Gly989Arg)

Gene: ALPK3 (alpha kinase 3; plus strand). Cytogenetic location: 15q25.3.
Variant type: single nucleotide variant.
Coding change: c.2965G>A on transcript NM_020778.5 (MANE Select); coding-DNA position 2965, G replaced by A.
Protein change: p.Gly989Arg; replaces glycine 989 with arginine.
Molecular consequence: missense variant.
Genome position (GRCh38, 1-based): chr15:84,857,703, G>A. VCF-style: chr15-84857703-G-A. GRCh37 (hg19) VCF-style: chr15-85400934-G-A.
Other names: short protein forms G1191R, G989R.
Identifiers: ClinVar variation 432460 (VCV000432460.19), dbSNP rs115074675, ClinGen allele CA7709528.

ClinVar aggregate classification (germline): Conflicting classifications of pathogenicity. Review status: criteria provided, conflicting classifications (1 of 4 stars). 5 submissions from 5 submitters: Uncertain significance (3); Likely benign (2). Last evaluated 2026-02-01.

Conditions:
ALPK3-related disorder. Also called: ALPK3-related condition.
Cardiovascular phenotype. Identifiers: MedGen CN230736.

Allele frequency attached by ClinVar (database versions not stated): gnomAD exomes 0.00008 and 0.00021; ExAC 0.00024; gnomAD 0.00051 and 0.00056; TOPMed 0.00054; 1000 Genomes Project 0.00060; ESP Exome Variant Server 0.00069; 1000 Genomes Project 30x 0.00078.
gnomAD v4.1: 188 of 1,611,472 alleles (0.012%); highest among the groups gnomAD compares: African/African-American, 0.18%; no homozygotes.

Submissions (5):

Labcorp Genetics (formerly Invitae), Labcorp
Classification: Uncertain significance. Last evaluated: 2026-02-01. Review status: criteria provided, single submitter. Criteria: Invitae Variant Classification Sherloc (09022015). Collection method: clinical testing. Allele origin: germline.
Comment: This sequence change replaces glycine, which is neutral and non-polar, with arginine, which is basic and polar, at codon 1191 of the ALPK3 protein (p.Gly1191Arg). This variant is present in population databases (rs115074675, gnomAD 0.2%). This variant has not been reported in the literature in individuals affected with ALPK3-related conditions. ClinVar contains an entry for this variant (Variation ID: 432460). Invitae Evidence Modeling of protein sequence and biophysical properties (such as structural, functional, and spatial information, amino acid conservation, physicochemical variation, residue mobility, and thermodynamic stability) indicates that this missense variant is not expected to disrupt ALPK3 protein function with a negative predictive value of 80%. In summary, the available evidence is currently insufficient to determine the role of this variant in disease. Therefore, it has been classified as a Variant of Uncertain Significance.

PreventionGenetics, part of Exact Sciences
Classification: Likely benign for ALPK3-related condition. Last evaluated: 2025-05-23. Review status: criteria provided, single submitter. Criteria: ACMG Guidelines, 2015. Collection method: clinical testing. Allele origin: germline.
Comment: This variant is classified as likely benign based on ACMG/AMP sequence variant interpretation guidelines (Richards et al. 2015 PMID: 25741868, with internal and published modifications).

GeneDx
Classification: Uncertain significance. Last evaluated: 2025-05-06. Review status: criteria provided, single submitter. Criteria: GeneDx Variant Classification Process June 2021. Collection method: clinical testing. Allele origin: germline. Affected: yes.
Comment: Has not been previously published as pathogenic or benign to our knowledge; In silico analysis suggests that this missense variant does not alter protein structure/function

Ambry Genetics
Classification: Likely benign for Cardiovascular phenotype. Last evaluated: 2024-04-28. Review status: criteria provided, single submitter. Criteria: Ambry Variant Classification Scheme 2023. Collection method: clinical testing. Allele origin: germline.

Women's Health and Genetics/Laboratory Corporation of America, LabCorp
Classification: Uncertain significance. Last evaluated: 2023-04-26. Review status: criteria provided, single submitter. Criteria: LabCorp Variant Classification Summary - May 2015. Collection method: clinical testing. Allele origin: germline.